The following is an entry in ClinVar:

NM_000245.4(MET):c.3989T>C (p.Phe1330Ser)

Gene: MET (MET proto-oncogene, receptor tyrosine kinase; plus strand). Cytogenetic location: 7q31.2.
Variant type: single nucleotide variant.
Coding change: c.3989T>C on transcript NM_000245.4 (MANE Select); coding-DNA position 3989, T replaced by C.
Protein change: p.Phe1330Ser; replaces phenylalanine 1330 with serine.
Molecular consequence: missense variant.
Genome position (GRCh38, 1-based): chr7:116,795,940, T>C. VCF-style: chr7-116795940-T-C. GRCh37 (hg19) VCF-style: chr7-116435994-T-C.
Other names: c.4043T>C, p.Phe1348Ser (NM_001127500.3); c.2699T>C, p.Phe900Ser (NM_001324402.2); short protein forms F1330S, F900S, F1348S.
Identifiers: ClinVar variation 2758248 (VCV002758248.5), dbSNP rs2117111194, ClinGen allele CA369118166.

ClinVar aggregate classification (germline): Uncertain significance. Review status: criteria provided, multiple submitters, no conflicts (2 of 4 stars). 2 submissions from 2 submitters: Uncertain significance (2). Last evaluated 2026-09-11.

Conditions:
Hereditary cancer-predisposing syndrome. Also called: Hereditary Cancer Syndrome; Hereditary neoplastic syndrome; Neoplastic Syndromes, Hereditary; Tumor predisposition. Identifiers: Orphanet 140162, MedGen C0027672, MeSH D009386, MONDO:0015356.
Renal cell carcinoma. Identifiers: Orphanet 217071, MedGen C0007134, MeSH D002292, MONDO:0005086, HP:0005584.

Submissions (2):

Ambry Genetics
Classification: Uncertain significance for Hereditary cancer-predisposing syndrome. Last evaluated: 2026-09-11. Review status: criteria provided, single submitter. Criteria: Ambry Variant Classification Scheme 2023. Collection method: clinical testing. Allele origin: germline.
Comment: The p.F1348S variant (also known as c.4043T>C), located in coding exon 20 of the MET gene, results from a T to C substitution at nucleotide position 4043. The phenylalanine at codon 1348 is replaced by serine, an amino acid with highly dissimilar properties. This amino acid position is highly conserved in available vertebrate species. In addition, this alteration is predicted to be deleterious by in silico analysis. Based on the available evidence, the clinical significance of this variant remains unclear.

Labcorp Genetics (formerly Invitae), Labcorp
Classification: Uncertain significance for Renal cell carcinoma. Last evaluated: 2023-09-05. Review status: criteria provided, single submitter. Criteria: Invitae Variant Classification Sherloc (09022015). Collection method: clinical testing. Allele origin: germline.
Comment: In summary, the available evidence is currently insufficient to determine the role of this variant in disease. Therefore, it has been classified as a Variant of Uncertain Significance. Advanced modeling of protein sequence and biophysical properties (such as structural, functional, and spatial information, amino acid conservation, physicochemical variation, residue mobility, and thermodynamic stability) performed at Invitae indicates that this missense variant is expected to disrupt MET protein function. This variant has not been reported in the literature in individuals affected with MET-related conditions. This variant is not present in population databases (gnomAD no frequency). This sequence change replaces phenylalanine, which is neutral and non-polar, with serine, which is neutral and polar, at codon 1348 of the MET protein (p.Phe1348Ser).